The following is an entry in ClinVar:

NM_001165963.4(SCN1A):c.1135A>G (p.Met379Val)

Gene: SCN1A (sodium voltage-gated channel alpha subunit 1; minus strand). Cytogenetic location: 2q24.3.
Variant type: single nucleotide variant.
Coding change: c.1135A>G on transcript NM_001165963.4 (MANE Select); coding-DNA position 1135, A replaced by G.
Protein change: p.Met379Val; replaces methionine 379 with valine.
Molecular consequence: missense variant. On other transcripts: 5 prime UTR variant (1), non-coding transcript variant (1).
Genome position (GRCh38, 1-based): chr2:166,047,662, T>C on the plus strand (A>G on the coding strand, the complement: SCN1A is on the minus strand). VCF-style: chr2-166047662-T-C. GRCh37 (hg19) VCF-style: chr2-166904172-T-C.
Other names: c.1135A>G, p.Met379Val (NM_001353949.2, NM_001353950.2, NM_001353951.2 and 10 more transcripts); c.-1291A>G (NM_001353961.2); short protein forms M379V.
Identifiers: ClinVar variation 4888157 (VCV004888157.1).

ClinVar aggregate classification (germline): Likely pathogenic (1 of 4 stars; one submission).

Submission:

GeneDx
Classification: Likely pathogenic. Last evaluated: 2026-02-19. Review status: criteria provided, single submitter. Criteria: GeneDx Variant Classification Process June 2021. Collection method: clinical testing. Allele origin: germline.
Comment: This substitution is predicted to be within the pore forming loop between the S5 and S6 transmembrane segments of the first homologous domain; In silico analysis is inconclusive as to whether the variant alters gene splicing. In the absence of RNA/functional studies, the actual effect of this sequence change is unknown.; In silico analysis supports that this missense variant has a deleterious effect on protein structure/function; Not observed at significant frequency in large population cohorts (gnomAD); Has not been previously published as pathogenic or benign to our knowledge